The following is an entry in ClinVar:

NM_002906.4(RDX):c.564G>C (p.Met188Ile)

Gene: RDX (radixin; minus strand). Cytogenetic location: 11q22.3.
Variant type: single nucleotide variant.
Coding change: c.564G>C on transcript NM_002906.4 (MANE Select); coding-DNA position 564, G replaced by C.
Protein change: p.Met188Ile; replaces methionine 188 with isoleucine.
Molecular consequence: missense variant. On other transcripts: intron variant (2).
Genome position (GRCh38, 1-based): chr11:110,257,901, C>G on the plus strand (G>C on the coding strand, the complement: RDX is on the minus strand). VCF-style: chr11-110257901-C-G. GRCh37 (hg19) VCF-style: chr11-110128626-C-G.
Other names: c.564G>C, p.Met188Ile (NM_001260492.2, NM_001260493.2); c.156G>C, p.Met52Ile (NM_001260494.2); c.-82-10068G>C (NM_001260495.2); c.404+256G>C (NM_001260496.2); c.564G>C (NM_002906.3); short protein forms M188I, M52I.
Identifiers: ClinVar variation 497749 (VCV000497749.7), dbSNP rs141888853, ClinGen allele CA6270272.
Genomic context (GRCh38, chr11:110,257,901, plus strand): 5'-TATTTCAAAATAGTTGACTCCATACATTTCTAGATCTTGTGCAATCTTCAGGTATTCCAT[C>G]ATAGAATCCTCCCTGTTGAAATAAAACTAAATGTAATATATTTAAGTAGGAGCATATCAA-3'
Protein context (NP_002897.1, residues 178-198): EHRGMLREDS[Met188Ile]MEYLKIAQDL

ClinVar aggregate classification (germline): Uncertain significance. Review status: criteria provided, multiple submitters, no conflicts (2 of 4 stars). 2 submissions from 2 submitters: Uncertain significance (2). Last evaluated 2025-06-05.

Allele frequency attached by ClinVar (database versions not stated): TOPMed 0.00009; ESP Exome Variant Server 0.00023.

Submissions (2):

GeneDx
Classification: Uncertain significance. Last evaluated: 2025-06-05. Review status: criteria provided, single submitter. Criteria: GeneDx Variant Classification Process June 2021. Collection method: clinical testing. Allele origin: germline.
Comment: In silico analysis supports that this missense variant has a deleterious effect on protein structure/function; Has not been previously published as pathogenic or benign to our knowledge

Eurofins Ntd Llc (ga)
Classification: Uncertain significance. Last evaluated: 2017-12-20. Review status: criteria provided, single submitter. Criteria: EGL Classification Definitions 2015. Collection method: clinical testing. Allele origin: germline. Observed: 2 variant alleles, 2 heterozygotes.